The following is an entry in ClinVar:

NM_000168.6(GLI3):c.1497+3A>T

Gene: GLI3 (GLI family zinc finger 3; minus strand). Cytogenetic location: 7p14.1.
Variant type: single nucleotide variant.
Coding change: c.1497+3A>T on transcript NM_000168.6 (MANE Select); 3 bases into the intron after coding-DNA position 1497, A replaced by T.
Molecular consequence: intron variant.
Genome position (GRCh38, 1-based): chr7:42,023,465, T>A on the plus strand (A>T on the coding strand, the complement: GLI3 is on the minus strand). VCF-style: chr7-42023465-T-A. GRCh37 (hg19) VCF-style: chr7-42063064-T-A.
Identifiers: ClinVar variation 4975851 (VCV004975851.1).

ClinVar aggregate classification (germline): Uncertain significance (1 of 4 stars; one submission).

Submission:

GeneDx
Classification: Uncertain significance. Last evaluated: 2026-02-10. Review status: criteria provided, single submitter. Criteria: GeneDx Variant Classification Process June 2021. Collection method: clinical testing. Allele origin: germline.
Comment: Not observed at significant frequency in large population cohorts (gnomAD); In silico analysis supports a deleterious effect on splicing; Has not been previously published as pathogenic or benign to our knowledge